The following is an entry in ClinVar:

ClinVar aggregate classification (germline): Pathogenic/Likely pathogenic. Review status: criteria provided, multiple submitters, no conflicts (2 of 4 stars). 6 submissions from 6 submitters: Pathogenic (2); Likely pathogenic (3). 1 of the submissions does not count toward it. Last evaluated 2023-07-26.

Conditions:
Neurodevelopmental disorder. Identifiers: MedGen C1535926, MeSH D065886, MONDO:0700092.
UBE3A-related disorder. Also called: UBE3A-related condition.
Inborn genetic diseases. Identifiers: MedGen C0950123, MeSH D030342.
Angelman syndrome (AS). Also called: HAPPY PUPPET SYNDROME. Identifiers: Orphanet 72, MedGen C0162635, MONDO:0007113, OMIM 105830. Disease mechanism: loss of function. Inheritance: AS is caused by disruption of maternally imprinted UBE3A located within the 15q11.2-q13 Angelman syndrome/Prader-Willi syndrome (AS/PWS) region., imprinting disorder.

Submissions (6):

Laboratory of Molecular Genetics (Pr. Bezieau's lab), CHU de Nantes
Classification: Pathogenic for Neurodevelopmental disorder. Last evaluated: 2023-07-26. Review status: criteria provided, single submitter. Criteria: ACMG Guidelines, 2015. Collection method: clinical testing. Allele origin: germline. Affected: yes.

Labcorp Genetics (formerly Invitae), Labcorp
Classification: Likely pathogenic for Angelman syndrome. Last evaluated: 2022-09-05. Review status: criteria provided, single submitter. Criteria: Invitae Variant Classification Sherloc (09022015). Collection method: clinical testing. Allele origin: germline.
Comment: In summary, the currently available evidence indicates that the variant is pathogenic, but additional data are needed to prove that conclusively. Therefore, this variant has been classified as Likely Pathogenic. Algorithms developed to predict the effect of missense changes on protein structure and function are either unavailable or do not agree on the potential impact of this missense change (SIFT: "Not Available"; PolyPhen-2: "Probably Damaging"; Align-GVGD: "Not Available"). ClinVar contains an entry for this variant (Variation ID: 155992). This variant is also known as c.2540C>T. This missense change has been observed in individuals with clinical features of Angelman syndrome and Angelman syndome (PMID: 25212744, 29188609). It has also been observed to segregate with disease in related individuals. This variant is not present in population databases (gnomAD no frequency). This sequence change replaces proline, which is neutral and non-polar, with leucine, which is neutral and non-polar, at codon 827 of the UBE3A protein (p.Pro827Leu).

Blueprint Genetics
Classification: Likely pathogenic for UBE3A-related disorders. Last evaluated: 2022-06-01. Review status: criteria provided, single submitter. Criteria: ACMG Guidelines, 2015. Collection method: clinical testing. Allele origin: germline. Affected: yes. Observed: 1 variant allele.

Ambry Genetics
Classification: Likely pathogenic for Inborn genetic diseases. Last evaluated: 2021-09-29. Review status: criteria provided, single submitter. Criteria: Ambry Variant Classification Scheme 2023. Collection method: clinical testing. Allele origin: germline.
Comment: The c.2480C>T (p.P827L) alteration is located in exon 10 (coding exon 10) of the UBE3A gene. This alteration results from a C to T substitution at nucleotide position 2480, causing the proline (P) at amino acid position 827 to be replaced by a leucine (L). This variant was not reported in population-based cohorts in the Genome Aggregation Database (gnomAD). This alteration has been reported in multiple unrelated patients with features consistent with Angelman syndrome, including at least one presumed de novo occurrence (Sadikovic, 2014; Xu, 2017; internal data; personal communication). This amino acid position is highly conserved in available vertebrate species. The in silico prediction for this alteration is inconclusive. Based on the available evidence, this alteration is classified as likely pathogenic.

Molecular Genetics Lab, CHRU Brest
Classification: Pathogenic for Angelman syndrome. Review status: criteria provided, single submitter. Criteria: ACMG Guidelines, 2015. Collection method: clinical testing. Allele origin: de novo. Affected: yes.

Baylor Genetics
Classification: Pathogenic for Angelman Syndrome. Last evaluated: 2014-02-14. Review status: no assertion criteria provided. Collection method: clinical testing. Allele origin: de novo. Affected: yes. Observed: 1 variant allele. Study: UBE3A Mutation Study. Not counted in ClinVar's aggregate classification.
Comment: Data collected from clinical UBE3A sequence analysis results

Literature cited by the submitters: PubMed 25212744 (cited by 3 submitters); PubMed 29188609 (cited by Labcorp Genetics (formerly Invitae), Labcorp and Ambry Genetics).

NM_130839.5(UBE3A):c.2540C>T (p.Pro847Leu)

Genes: SNHG14 (small nucleolar RNA host gene 14; plus strand), UBE3A (ubiquitin protein ligase E3A; minus strand). Cytogenetic location: 15q11.2.
Variant type: single nucleotide variant.
Coding change: c.2540C>T on transcript NM_130839.5 (MANE Select); coding-DNA position 2540, C replaced by T.
Protein change: p.Pro847Leu; replaces proline 847 with leucine.
Molecular consequence: missense variant. On other transcripts: non-coding transcript variant (1).
Genome position (GRCh38, 1-based): chr15:25,339,216, G>A on the plus strand (C>T on the coding strand, the complement: UBE3A is on the minus strand). VCF-style: chr15-25339216-G-A. GRCh37 (hg19) VCF-style: chr15-25584363-G-A.
Other names: c.2549C>T, p.Pro850Leu (NM_000462.5); c.2540C>T, p.Pro847Leu (NM_001354505.1, NM_001354538.2); c.2480C>T, p.Pro827Leu (NM_001354506.2, NM_001354507.2, NM_001354508.2 and 14 more transcripts); c.2384C>T, p.Pro795Leu (NM_001354545.2); c.2363C>T, p.Pro788Leu (NM_001354546.2); c.2324C>T, p.Pro775Leu (NM_001354547.2, NM_001354548.2); c.2315C>T, p.Pro772Leu (NM_001354549.2); c.1289C>T, p.Pro430Leu (NM_001354550.2); and 2 more; short protein forms P827L, P430L, P772L, P410L, P847L, P850L, P775L, P788L.
Identifiers: ClinVar variation 155992 (VCV000155992.13), dbSNP rs587781239, ClinGen allele CA333384.